The following is an entry in ClinVar:

NM_078480.3(PUF60):c.1292C>A (p.Pro431Gln)

Gene: PUF60 (poly(U) binding splicing factor 60; minus strand). Cytogenetic location: 8q24.3.
Variant type: single nucleotide variant.
Coding change: c.1292C>A on transcript NM_078480.3 (MANE Select); coding-DNA position 1292, C replaced by A.
Protein change: p.Pro431Gln; replaces proline 431 with glutamine.
Molecular consequence: missense variant.
Genome position (GRCh38, 1-based): chr8:143,816,998, G>T on the plus strand (C>A on the coding strand, the complement: PUF60 is on the minus strand). VCF-style: chr8-143816998-G-T. GRCh37 (hg19) VCF-style: chr8-144899168-G-T.
Other names: c.1163C>A, p.Pro388Gln (NM_001136033.3); c.1238C>A, p.Pro413Gln (NM_001271096.2); c.1154C>A, p.Pro385Gln (NM_001271097.2); c.1289C>A, p.Pro430Gln (NM_001271098.2); c.1205C>A, p.Pro402Gln (NM_001271099.2); c.1112C>A, p.Pro371Gln (NM_001271100.2); c.1403C>A, p.Pro468Gln (NM_001362895.2, NM_001362896.2); c.1352C>A, p.Pro451Gln (NM_001362897.2); and 1 more; short protein forms P371Q, P385Q, P388Q, P402Q, P413Q, P414Q, P430Q, P431Q.
Identifiers: ClinVar variation 2505720 (VCV002505720.1), dbSNP rs1816390931, ClinGen allele CA372486970.
Genomic context (GRCh38, chr8:143,816,998, plus strand): 5'-ACCATGTGTCGGGCGCTACTGCCCGAGATGCTCATGTGCTCCTGCTCGCTCAGCATCTCT[G>T]GCCGCTCTGACTCGGGAAACAGCTCCTCTTCTTCCTTCTCCTTCTTGGGCTCCAGGAGAC-3'
Protein context (NP_510965.1, residues 421-441): EEELFPESER[Pro431Gln]EMLSEQEHMS

ClinVar aggregate classification (germline): Uncertain significance (1 of 4 stars; one submission).

Submission:

GeneDx
Classification: Uncertain significance. Last evaluated: 2022-12-15. Review status: criteria provided, single submitter. Criteria: GeneDx Variant Classification Process June 2021. Collection method: clinical testing. Allele origin: germline. Affected: yes.
Comment: Not observed at significant frequency in large population cohorts (gnomAD); In silico analysis supports that this missense variant has a deleterious effect on protein structure/function; Has not been previously published as pathogenic or benign to our knowledge